The following is an entry in ClinVar:

NM_000243.3(MEFV):c.585G>T (p.Glu195Asp)

Gene: MEFV (MEFV innate immunity regulator, pyrin; minus strand). Cytogenetic location: 16p13.3.
Variant type: single nucleotide variant.
Coding change: c.585G>T on transcript NM_000243.3 (MANE Select); coding-DNA position 585, G replaced by T.
Protein change: p.Glu195Asp; replaces glutamic acid 195 with aspartic acid.
Molecular consequence: missense variant. On other transcripts: intron variant (1).
Genome position (GRCh38, 1-based): chr16:3,254,483, C>A on the plus strand (G>T on the coding strand, the complement: MEFV is on the minus strand). VCF-style: chr16-3254483-C-A. GRCh37 (hg19) VCF-style: chr16-3304483-C-A.
Other names: c.277+1828G>T (NM_001198536.2); short protein forms E195D.
Identifiers: ClinVar variation 849164 (VCV000849164.7), dbSNP rs200766991, ClinGen allele CA7860390.

ClinVar aggregate classification (germline): Uncertain significance. Review status: criteria provided, single submitter (1 of 4 stars). 2 submissions from 2 submitters: Uncertain significance (1). 1 of the submissions does not count toward it. Last evaluated 2022-03-08.

Conditions:
Familial Mediterranean fever (FMF). Also called: POLYSEROSITIS, FAMILIAL PAROXYSMAL; POLYSEROSITIS, RECURRENT; Periodic peritonitis; Benign paroxysmal peritonitis. Identifiers: Orphanet 342, MedGen C0031069, MONDO:0018088, OMIM 249100. Disease mechanism: gain of function.

Allele frequency attached by ClinVar (database versions not stated): TOPMed 0.00001.
gnomAD v4.1: 21 of 1,588,828 alleles (0.0013%); highest among the groups gnomAD compares: Middle Eastern, 0.14%; no homozygotes.

Submissions (2):

Labcorp Genetics (formerly Invitae), Labcorp
Classification: Uncertain significance for Familial Mediterranean fever. Last evaluated: 2022-03-08. Review status: criteria provided, single submitter. Criteria: Invitae Variant Classification Sherloc (09022015). Collection method: clinical testing. Allele origin: germline.
Comment: This sequence change replaces glutamic acid, which is acidic and polar, with aspartic acid, which is acidic and polar, at codon 195 of the MEFV protein (p.Glu195Asp). The frequency data for this variant in the population databases is considered unreliable, as metrics indicate poor data quality at this position in the gnomAD database. This variant has not been reported in the literature in individuals affected with MEFV-related conditions. ClinVar contains an entry for this variant (Variation ID: 849164). Algorithms developed to predict the effect of missense changes on protein structure and function (SIFT, PolyPhen-2, Align-GVGD) all suggest that this variant is likely to be tolerated. In summary, the available evidence is currently insufficient to determine the role of this variant in disease. Therefore, it has been classified as a Variant of Uncertain Significance.

Natera, Inc.
Classification: Uncertain significance for Familial Mediterranean fever. Last evaluated: 2020-09-13. Review status: no assertion criteria provided. Collection method: clinical testing. Allele origin: germline. Not counted in ClinVar's aggregate classification.